The following is an entry in ClinVar:

ClinVar aggregate classification (germline): Benign/Likely benign. Review status: criteria provided, multiple submitters, no conflicts (2 of 4 stars). 2 submissions from 2 submitters: Benign (1); Likely benign (1). Last evaluated 2024-12-19.

Conditions:
Lynch syndrome 5 (LYNCH5). Also called: Colorectal cancer, hereditary nonpolyposis, type 5; Hereditary non-polyposis colorectal cancer, type 5. Identifiers: Orphanet 144, MedGen C1833477, MONDO:0013710, OMIM 614350. Disease mechanism: loss of function.
Hereditary nonpolyposis colorectal neoplasms. Identifiers: MedGen C0009405, MeSH D003123.

Submissions (2):

Myriad Genetics, Inc.
Classification: Benign for Lynch syndrome 5. Last evaluated: 2024-12-19. Review status: criteria provided, single submitter. Criteria: Myriad Autosomal Dominant, Autosomal Recessive and X-Linked Classification Criteria (2023). Collection method: clinical testing. Allele origin: unknown.
Comment: This variant is considered benign. This variant is a silent/synonymous amino acid change and it is not expected to impact splicing.

Labcorp Genetics (formerly Invitae), Labcorp
Classification: Likely benign for Hereditary nonpolyposis colorectal neoplasms. Last evaluated: 2023-07-17. Review status: criteria provided, single submitter. Criteria: Invitae Variant Classification Sherloc (09022015). Collection method: clinical testing. Allele origin: germline.

NM_000179.3(MSH6):c.621G>A (p.Glu207=)

Gene: MSH6 (mutS homolog 6; plus strand). Cytogenetic location: 2p16.3.
Variant type: single nucleotide variant.
Coding change: c.621G>A on transcript NM_000179.3 (MANE Select); coding-DNA position 621, G replaced by A.
Protein change: p.Glu207=; no amino-acid change (glutamic acid 207 retained).
Molecular consequence: synonymous variant. On other transcripts: intron variant (8), non-coding transcript variant (5), 5 prime UTR variant (2).
Genome position (GRCh38, 1-based): chr2:47,796,057, G>A. VCF-style: chr2-47796057-G-A. GRCh37 (hg19) VCF-style: chr2-48023196-G-A.
Other names: c.-279-2554G>A (NM_001406815.1, NM_001406829.1, NM_001406823.1 and 4 more transcripts); c.238-2554G>A (NM_001281492.2); c.-282G>A (NM_001281494.2); c.717G>A, p.Glu239= (NM_001406795.1, NM_001406802.1); c.621G>A, p.Glu207= (NM_001406796.1, NM_001406798.1, NM_001406800.1 and 5 more transcripts); c.324G>A, p.Glu108= (NM_001406797.1, NM_001406801.1, NM_001406805.1 and 10 more transcripts); c.96G>A, p.Glu32= (NM_001406799.1, NM_001406806.1, NM_001406807.1); c.543G>A, p.Glu181= (NM_001406804.1); and 3 more.
Identifiers: ClinVar variation 2744303 (VCV002744303.4), dbSNP rs1553411509, ClinGen allele CA425993252.
Genomic context (GRCh38, chr2:47,796,057, plus strand): 5'-GATTAAGAGGCTTGAATTGGCAGTTTGTGATGAGCCCTCAGAGCCAGAAGAGGAAGAAGA[G>A]ATGGAGGTGGGACACGGCAAGCATTCAGTTGTTATTTATGTTAGGGTGATGGGGGAAGAA-3'
Protein context (NP_000170.1, residues 197-217): DEPSEPEEEE[Glu207=]MEVGTTYVTD